The following is an entry in ClinVar:

ClinVar aggregate classification (germline): Uncertain significance (0 of 4 stars; one submission).

Submission:

Richard Lifton Laboratory, Yale University School of Medicine
Classification: Uncertain significance. Review status: no assertion criteria provided. Collection method: not provided. Allele origin: somatic.
Comment: FXYD5
ClinVar note: Converted during submission from unknown to Uncertain significance.

NM_014164.6(FXYD5):c.280A>G (p.Ser94Gly)

Gene: FXYD5 (FXYD domain containing ion transport regulator 5; plus strand). Cytogenetic location: 19q13.12.
Variant type: single nucleotide variant.
Coding change: c.280A>G on transcript NM_014164.6 (MANE Select); coding-DNA position 280, A replaced by G.
Protein change: p.Ser94Gly; replaces serine 94 with glycine.
Molecular consequence: missense variant. On other transcripts: non-coding transcript variant (1), intron variant (1).
Genome position (GRCh38, 1-based): chr19:35,160,789, A>G. VCF-style: chr19-35160789-A-G. GRCh37 (hg19) VCF-style: chr19-35651692-A-G.
Other names: c.280A>G, p.Ser94Gly (NM_001164605.2, NM_001320912.2, NM_144779.3); c.199+2389A>G (NM_001320913.2); short protein forms S94G.
Identifiers: ClinVar variation 91979 (VCV000091979.2), dbSNP rs386352302, ClinGen allele CA232285.
Genomic context (GRCh38, chr19:35,160,789, plus strand): 5'-CAGACCCAGCAACTGGAAGGAACGGATGGGCCTCTAGTGACAGATCCAGAGACACACAAG[A>G]GCACCAAAGCAGGTATAGCATGGGACTGAGAGCAGCAGCCTACGATTTTTGTTTAATTCT-3'
Protein context (NP_054883.3, residues 84-104): PLVTDPETHK[Ser94Gly]TKAAHPTDDT